The following is an entry in ClinVar:

ClinVar aggregate classification (germline): Uncertain significance (1 of 4 stars; one submission).

Conditions:
Dyskeratosis congenita. Identifiers: Orphanet 1775, MedGen C0265965, MONDO:0015780.

gnomAD v4.1: 1 of 1,582,452 alleles (0.000063%); highest among the groups gnomAD compares: African/African-American, 0.0013%; no homozygotes.

Submission:

Ambry Genetics
Classification: Uncertain significance for Dyskeratosis congenita. Last evaluated: 2026-03-17. Review status: criteria provided, single submitter. Criteria: Ambry Variant Classification Scheme 2023. Collection method: clinical testing. Allele origin: germline.
Comment: The p.G225E variant (also known as c.674G>A), located in coding exon 2 of the TERT gene, results from a G to A substitution at nucleotide position 674. The glycine at codon 225 is replaced by glutamic acid, an amino acid with similar properties. This amino acid position is poorly conserved in available vertebrate species. In addition, this alteration is predicted to be tolerated by in silico analysis. Based on the available evidence, the clinical significance of this variant remains unclear.

NM_198253.3(TERT):c.674G>A (p.Gly225Glu)

Gene: TERT (telomerase reverse transcriptase; minus strand). Cytogenetic location: 5p15.33.
Variant type: single nucleotide variant.
Coding change: c.674G>A on transcript NM_198253.3 (MANE Select); coding-DNA position 674, G replaced by A.
Protein change: p.Gly225Glu; replaces glycine 225 with glutamic acid.
Molecular consequence: missense variant. On other transcripts: non-coding transcript variant (2).
Genome position (GRCh38, 1-based): chr5:1,294,212, C>T on the plus strand (G>A on the coding strand, the complement: TERT is on the minus strand). VCF-style: chr5-1294212-C-T. GRCh37 (hg19) VCF-style: chr5-1294327-C-T.
Other names: c.674G>A, p.Gly225Glu (NM_001193376.3); short protein forms G225E.
Identifiers: ClinVar variation 4865443 (VCV004865443.1).